The following is an entry in ClinVar:

NM_000138.5(FBN1):c.7015T>G (p.Cys2339Gly)

Gene: FBN1 (fibrillin 1; minus strand). Cytogenetic location: 15q21.1.
Variant type: single nucleotide variant.
Coding change: c.7015T>G on transcript NM_000138.5 (MANE Select); coding-DNA position 7015, T replaced by G.
Protein change: p.Cys2339Gly; replaces cysteine 2339 with glycine.
Molecular consequence: missense variant.
Genome position (GRCh38, 1-based): chr15:48,427,756, A>C on the plus strand (T>G on the coding strand, the complement: FBN1 is on the minus strand). VCF-style: chr15-48427756-A-C. GRCh37 (hg19) VCF-style: chr15-48719953-A-C.
Other names: c.7015T>G, p.Cys2339Gly (NM_001406716.1); short protein forms C2339G.
Identifiers: ClinVar variation 3600255 (VCV003600255.2).

ClinVar aggregate classification (germline): Pathogenic. Review status: criteria provided, single submitter (1 of 4 stars). 2 submissions from 2 submitters: Pathogenic (1). 1 of the submissions does not count toward it. Last evaluated 2025-02-16.

Conditions:
Marfan syndrome (MFS). Also called: MARFAN SYNDROME, TYPE I; Marfan syndrome type 1; Marfan's syndrome; FBN1-Related Marfan Syndrome; Marfan syndrome, classic. Identifiers: Orphanet 284963, Orphanet 558, MedGen C0024796, MONDO:0007947, OMIM 154700.

Submissions (2):

Laboratory of Genetics, Children's Clinical University Hospital Latvia
Classification: Pathogenic. Last evaluated: 2025-02-16. Review status: criteria provided, single submitter. Criteria: ACMG Guidelines, 2015. Collection method: clinical testing. Allele origin: germline. Affected: yes.

Department of Laboratory Medicine and Genetics, Samsung Medical Center
Classification: Likely pathogenic for Marfan syndrome. Last evaluated: 2025-01-02. Review status: no assertion criteria provided. Collection method: clinical testing. Allele origin: germline. Not counted in ClinVar's aggregate classification.
Comment: The NM_000138.5:c.7015T>G is considered to be rare in the general population database (gnomAD v2.1.1). This variant is predicted to be deleterious by in-silico analysis (REVEL). This variant is located in functional domains and a different missense variant at the same residue is determined to be pathogenic (c.7015T>C, p.Cys2339Arg and c.7016G>A, p.Cys2339Tyr). In summary, this variant was classified as a likely pathogenic variant for Marfan syndrome (PM1, PM5, PP2, PP3, PM2_P).

Literature cited by the submitters: PubMed 21907952 (cited by Department of Laboratory Medicine and Genetics, Samsung Medical Center); PubMed 37558401 (cited by Department of Laboratory Medicine and Genetics, Samsung Medical Center).